The following is an entry in ClinVar:

NM_000059.4(BRCA2):c.1528G>T (p.Glu510Ter)

Gene: BRCA2 (BRCA2 DNA repair associated; plus strand). Cytogenetic location: 13q13.1.
Variant type: single nucleotide variant.
Coding change: c.1528G>T on transcript NM_000059.4 (MANE Select); coding-DNA position 1528, G replaced by T.
Protein change: p.Glu510Ter; replaces glutamic acid 510 with a stop codon.
Molecular consequence: nonsense.
Genome position (GRCh38, 1-based): chr13:32,333,006, G>T. VCF-style: chr13-32333006-G-T. GRCh37 (hg19) VCF-style: chr13-32907143-G-T.
Other names: short protein forms E510*.
Identifiers: ClinVar variation 51139 (VCV000051139.25), dbSNP rs80358438, ClinGen allele CA012312.
Genomic context (GRCh38, chr13:32,333,006, plus strand): 5'-GGAACTTCTCCAGTGGCTTCTTCATTTCAGGGTATCAAAAAGTCTATATTCAGAATAAGA[G>T]AATCACCTAAAGAGACTTTCAATGCAAGTTTTTCAGGTCATATGACTGATCCAAACTTTA-3'

ClinVar aggregate classification (germline): Pathogenic. Review status: reviewed by expert panel (3 of 4 stars). 12 submissions from 12 submitters: Pathogenic (1). 11 of the submissions do not count toward it. Last evaluated 2016-09-08.

Conditions:
Breast and/or ovarian cancer. Identifiers: MedGen CN221562.
Hereditary cancer-predisposing syndrome. Also called: Tumor predisposition; Neoplastic Syndromes, Hereditary; Hereditary Cancer Syndrome; Hereditary neoplastic syndrome. Identifiers: Orphanet 140162, MedGen C0027672, MeSH D009386, MONDO:0015356.
Hereditary breast ovarian cancer syndrome. Also called: Hereditary breast and ovarian cancer syndrome (HBOC); Hereditary breast and ovarian cancer syndrome; Hereditary breast and ovarian cancer; Hereditary breast and/or ovarian cancer syndrome; Breast and ovarian cancer; BRCA1- and BRCA2-Associated Hereditary Breast and Ovarian Cancer. Identifiers: Orphanet 145, MedGen C0677776, MeSH D061325, MONDO:0003582. Disease mechanism: loss of function.
Breast-ovarian cancer, familial, susceptibility to, 2 (BROVCA2). Also called: BRCA2 Hereditary Breast and Ovarian Cancer. Identifiers: Orphanet 145, MedGen C2675520, MONDO:0012933, OMIM 612555. Disease mechanism: loss of function.
Breast-ovarian cancer, familial, susceptibility to, 1 (BROVCA1). Also called: OVARIAN CANCER, SUSCEPTIBILITY TO; BRCA1 Hereditary Breast and Ovarian Cancer. Identifiers: Orphanet 145, MedGen C2676676, MONDO:0011450, OMIM 604370. Disease mechanism: loss of function.
Familial cancer of breast. Also called: Hereditary breast cancer; hereditary breast carcinoma; BREAST CANCER, FAMILIAL. Identifiers: Orphanet 227535, MedGen C0346153, MONDO:0016419, OMIM 114480. Disease mechanism: loss of function.

Submissions (12):

Evidence-based Network for the Interpretation of Germline Mutant Alleles (ENIGMA)
Classification: Pathogenic for Breast-ovarian cancer, familial, susceptibility to, 2. Last evaluated: 2016-09-08. Review status: reviewed by expert panel. Criteria: ENIGMA BRCA1/2 Classification Criteria (2015). Collection method: curation. Allele origin: germline.
Comment: Variant allele predicted to encode a truncated non-functional protein.

Women's Health and Genetics/Laboratory Corporation of America, LabCorp
Classification: Pathogenic for Hereditary breast ovarian cancer syndrome. Last evaluated: 2026-01-19. Review status: criteria provided, single submitter. Criteria: LabCorp Variant Classification Summary - May 2015. Collection method: clinical testing. Allele origin: germline. Not counted in ClinVar's aggregate classification.
Comment: Variant summary: BRCA2 c.1528G>T (p.Glu510X) results in a premature termination codon, predicted to cause absence of the protein due to nonsense mediated decay, which is a commonly known mechanism for disease. The frequency data for this variant in gnomAD is considered unreliable, as metrics indicate poor data quality at this position. c.1528G>T has been observed in individuals affected with Hereditary Breast And Ovarian Cancer Syndrome (e.g. Zhang_2024). The following publication has been ascertained in the context of this evaluation (PMID: 38167124). ClinVar contains an entry for this variant (Variation ID: 51139). Based on the evidence outlined above, the variant was classified as pathogenic.

GeneKor MSA
Classification: Pathogenic for Hereditary breast ovarian cancer syndrome. Last evaluated: 2025-05-15. Review status: criteria provided, single submitter. Criteria: ACMG Guidelines, 2015. Collection method: clinical testing. Allele origin: germline. Affected: yes. Not counted in ClinVar's aggregate classification.
Comment: This is a single nucleotide substitution in exon 10 of the BRCA2 mRNA c.(1528G>T), creating a premature translational stop signal at codon 510 of the BRCA2 protein. It is expected to result in an absent or disrupted protein product. Truncating variants in BRCA2 are known to be pathogenic (PMID:20104584). This variant is not present in population databases (rs80358438). This alteration has been described in the international literature in individuals with breast and/or ovarian cancer (PMID:21232165, 26997744, 27376475, 29785153). The mutation database ClinVar contains entries for this variant where it is listed as pathogenic (VCV000051139.21). Based on the classification criteria set by the ACMG and AMP (PMID:25741868) this variant has been classified as pathogenic.

Dasa
Classification: Pathogenic for Breast-ovarian cancer, familial, susceptibility to, 2. Last evaluated: 2025-04-17. Review status: criteria provided, single submitter. Criteria: DASA Assertion Criteria. Collection method: clinical testing. Allele origin: germline. Not counted in ClinVar's aggregate classification.
Comment: NM_000059.4(BRCA2):c.1528G>T (p.Glu510*) introduces a premature termination codon predicted to result in loss of normal protein function. Loss-of-function is an established mechanism of disease for this gene. The affected residue or protein region has prior evidence supporting clinical relevance. The variant is present at low frequency in population datasets. Based on the available data, this variant is classified as pathogenic.

Ambry Genetics
Classification: Pathogenic for Hereditary cancer-predisposing syndrome. Last evaluated: 2024-03-25. Review status: criteria provided, single submitter. Criteria: Ambry Variant Classification Scheme 2023. Collection method: clinical testing. Allele origin: germline. Not counted in ClinVar's aggregate classification.
Comment: The p.E510* pathogenic mutation (also known as c.1528G>T), located in coding exon 9 of the BRCA2 gene, results from a G to T substitution at nucleotide position 1528. This changes the amino acid from a glutamic acid to a stop codon within coding exon 9. This variant has been reported in multiple individuals with personal and/or family history consistent with hereditary breast and ovarian cancer (HBOC) syndrome (Stegel V et al. BMC Med Genet, 2011 Jan;12:9; Novakovi S et al. Int J Oncol, 2012 Nov;41:1619-27; Schenkel LC et al. J Mol Diagn, 2016 Sep;18:657-667; Henouda S et al. Dis Markers, 2016 Feb;2016:7869095; Goidescu IG et al. Clujul Med, 2018 Apr;91:157-165; Moradian MM et al. Hum Genome Var, 2021 Feb;8:9; Zhang Y et al. BMC Cancer, 2022 Aug;22:842; Vidra R et al. Int J Environ Res Public Health, 2022 Apr;19:). This variant is considered to be rare based on population cohorts in the Genome Aggregation Database (gnomAD). This alteration is expected to result in loss of function by premature protein truncation or nonsense-mediated mRNA decay. As such, this alteration is interpreted as a disease-causing mutation.

Department of Molecular Diagnostics, Institute of Oncology Ljubljana
Classification: Pathogenic for Breast-ovarian cancer, familial, susceptibility to, 1. Last evaluated: 2020-04-02. Review status: criteria provided, single submitter. Criteria: ACMG Guidelines, 2015. Collection method: clinical testing. Allele origin: germline. Affected: yes. Not counted in ClinVar's aggregate classification.

Labcorp Genetics (formerly Invitae), Labcorp
Classification: Pathogenic for Hereditary breast ovarian cancer syndrome. Last evaluated: 2019-06-04. Review status: criteria provided, single submitter. Criteria: Invitae Variant Classification Sherloc (09022015). Collection method: clinical testing. Allele origin: germline. Not counted in ClinVar's aggregate classification.
Comment: This variant is not present in population databases (ExAC no frequency). This sequence change creates a premature translational stop signal (p.Glu510*) in the BRCA2 gene. It is expected to result in an absent or disrupted protein product. This variant has been observed in several individuals affected with breast and/or ovarian cancer (PMID: 21232165, 29785153, 26997744, 27376475). ClinVar contains an entry for this variant (Variation ID: 51139). Loss-of-function variants in BRCA2 are known to be pathogenic (PMID: 20104584). For these reasons, this variant has been classified as Pathogenic.

GeneDx
Classification: Pathogenic. Last evaluated: 2016-11-01. Review status: criteria provided, single submitter. Criteria: GeneDx Variant Classification (06012015). Collection method: clinical testing. Allele origin: germline. Affected: yes. Not counted in ClinVar's aggregate classification.
Comment: This variant is denoted BRCA2 c.1528G>T at the cDNA level and p.Glu510Ter (E510X) at the protein level. The substitution creates a nonsense variant, which changes a Glutamic Acid to a premature stop codon (GAA>TAA), and is predicted to cause loss of normal protein function through either protein truncation or nonsense-mediated mRNA decay. This variant has been reported in patients with breast and/or ovarian cancer (Stegel 2011, Novakovic 2012, Henouda 2016, Schenkel 2016) and is considered pathogenic.

Center of Medical Genetics and Primary Health Care
Classification: Pathogenic for Familial breast cancer. Last evaluated: 2020-04-08. Review status: no assertion criteria provided. Collection method: research. Allele origin: germline. Affected: yes. Observed: 1 heterozygote. Not counted in ClinVar's aggregate classification.
Comment: ACMG Guidelines 2015 criteria The BRCA2 variant p.Gln472Ter is a known pathogenic variant in exon 10 and in a non-functional domain. The substitution creates a nonsense variant, which changes a Glutamic Acid to a premature stop codon (GAA>TAA), and is predicted to cause loss of normal protein function through either protein truncation or nonsense-mediated mRNA decay which is an established disease mechanism in hereditary breast and ovarian cancer (PVS1 Pathogenic Very Strong). This variant was observed in a mutation hotspot region of 20 pathogenic variants (source, ClinVar) (PM1 Pathogenic Moderate). This variant is not found in GnomAD exomes neither in GnomAD genomes (PM2 Pathogenic Moderate). 3 pathogenic predictions from DANN, EIGEN and MutationTaster versus 1 benign prediction from FATHMM-MKL support its deleterious effect (PP3 Pathogenic Supporting). The variant has been classified as pathogenic by the ClinGen-approved ENIGMA expert panel (ClinVar SCV000300437.2) (PP5 Pathogenic Supporting). Therefore, this variant was classified as a Pathogenic.

Foulkes Cancer Genetics LDI, Lady Davis Institute for Medical Research
Classification: Pathogenic for Breast and/or ovarian cancer. Last evaluated: 2009-11-23. Review status: no assertion criteria provided. Collection method: clinical testing. Allele origin: germline. Study: The Canadian Open Genetics Repository (COGR). Not counted in ClinVar's aggregate classification.

Breast Cancer Information Core (BIC) (BRCA2)
Classification: Pathogenic for Breast-ovarian cancer, familial 2. Last evaluated: 2002-05-29. Review status: no assertion criteria provided. Collection method: clinical testing. Allele origin: germline. Affected: yes. Observed: 1 variant allele. Not counted in ClinVar's aggregate classification.

Center for Precision Medicine, Meizhou People's Hospital
Classification: Pathogenic for Familial cancer of breast. Review status: no assertion criteria provided. Collection method: curation. Allele origin: germline. Affected: yes. Not counted in ClinVar's aggregate classification.

Literature cited by the submitters: PubMed 38167124 (cited by Women's Health and Genetics/Laboratory Corporation of America, LabCorp); PubMed 20104584 (cited by GeneKor MSA and Labcorp Genetics (formerly Invitae), Labcorp); PubMed 21232165 (cited by 3 submitters); PubMed 26997744 (cited by 3 submitters); PubMed 27376475 (cited by 3 submitters); PubMed 29785153 (cited by 3 submitters); PubMed 22923021 (cited by Ambry Genetics); PubMed 33558524 (cited by Ambry Genetics); PubMed 35409996 (cited by Ambry Genetics); PubMed 35918668 (cited by Ambry Genetics).